The following is an entry in ClinVar:

NM_000540.3(RYR1):c.4339G>A (p.Val1447Met)

Gene: RYR1 (ryanodine receptor 1; plus strand). Cytogenetic location: 19q13.2.
Variant type: single nucleotide variant.
Coding change: c.4339G>A on transcript NM_000540.3 (MANE Select); coding-DNA position 4339, G replaced by A.
Protein change: p.Val1447Met; replaces valine 1447 with methionine.
Molecular consequence: missense variant.
Genome position (GRCh38, 1-based): chr19:38,477,755, G>A. VCF-style: chr19-38477755-G-A. GRCh37 (hg19) VCF-style: chr19-38968395-G-A.
Other names: p.Val1447Met; c.4339G>A, p.Val1447Met (NM_001042723.2); short protein forms V1447M.
Identifiers: ClinVar variation 329026 (VCV000329026.17), dbSNP rs370851779, ClinGen allele CA065960.

ClinVar aggregate classification (germline): Conflicting classifications of pathogenicity. Review status: criteria provided, conflicting classifications (1 of 4 stars). 7 submissions from 6 submitters: Uncertain significance (6); Likely benign (1). Last evaluated 2025-12-22.

Conditions:
RYR1-related disorder. Also called: RYR1-related condition; RYR1-related disorders. Identifiers: MedGen CN239331.
Congenital multicore myopathy with external ophthalmoplegia (CMYO1B). Also called: MULTICORE MYOPATHY; Minicore myopathy with external ophthalmoplegia; Congenital myopathy 1B, autosomal recessive; Minicore myopathy; MULTIMINICORE DISEASE WITH EXTERNAL OPHTHALMOPLEGIA. Identifiers: Orphanet 598, Orphanet 98905, MedGen C1850674, MONDO:0009712, OMIM 255320, HP:0003789.
Malignant hyperthermia, susceptibility to, 1 (MHS1). Also called: Anesthesia related hyperthermia; Malignant hyperpyrexia; Fulminating hyperpyrexia; Pharmacogenic myopathy; RYR1-Related Malignant Hyperthermia Susceptibility; Malignant hyperthermia suceptibility 1. Identifiers: Orphanet 423, MedGen C2930980, MONDO:0007783, OMIM 145600.

Allele frequency attached by ClinVar (database versions not stated): gnomAD 0.00003; gnomAD exomes 0.00004 and 0.00010; TOPMed 0.00004; ESP Exome Variant Server 0.00008; ExAC 0.00015.

Submissions (7):

Labcorp Genetics (formerly Invitae), Labcorp
Classification: Uncertain significance for RYR1-related disorder. Last evaluated: 2025-12-22. Review status: criteria provided, single submitter. Criteria: Invitae Variant Classification Sherloc (09022015). Collection method: clinical testing. Allele origin: germline.
Comment: This sequence change replaces valine, which is neutral and non-polar, with methionine, which is neutral and non-polar, at codon 1447 of the RYR1 protein (p.Val1447Met). This variant is present in population databases (rs370851779, gnomAD 0.05%). This missense change has been observed in individual(s) with RYR1-related conditions (PMID: 32236737). ClinVar contains an entry for this variant (Variation ID: 329026). Invitae Evidence Modeling of protein sequence and biophysical properties (such as structural, functional, and spatial information, amino acid conservation, physicochemical variation, residue mobility, and thermodynamic stability) indicates that this missense variant is expected to disrupt RYR1 protein function with a positive predictive value of 80%. In summary, the available evidence is currently insufficient to determine the role of this variant in disease. Therefore, it has been classified as a Variant of Uncertain Significance.

Color Diagnostics, LLC DBA Color Health
Classification: Uncertain significance for Malignant hyperthermia, susceptibility to, 1. Last evaluated: 2025-06-10. Review status: criteria provided, single submitter. Criteria: ACMG Guidelines, 2015. Collection method: clinical testing. Allele origin: germline.
Comment: This missense variant replaces valine with methionine at codon 1447 of the RYR1 protein. Computational prediction suggests that this variant may not impact protein structure and function. To our knowledge, functional studies have not been reported for this variant. This variant has not been reported in individuals affected with RYR1-related disorders in the literature. This variant has been identified in 26/282758 chromosomes in the general population by the Genome Aggregation Database (gnomAD). The available evidence is insufficient to determine the role of this variant in disease conclusively. Therefore, this variant is classified as a Variant of Uncertain Significance.

Revvity Omics, Revvity
Classification: Uncertain significance. Last evaluated: 2024-08-29. Review status: criteria provided, single submitter. Criteria: ACMG Guidelines, 2015. Collection method: clinical testing. Allele origin: germline.

All of Us Research Program, National Institutes of Health
Classification: Uncertain significance for Malignant hyperthermia, susceptibility to, 1. Last evaluated: 2024-01-03. Review status: criteria provided, single submitter. Criteria: ACMG Guidelines, 2015. Collection method: clinical testing. Allele origin: germline. Inheritance: Autosomal dominant inheritance. Observed: 8 variant alleles, 8 heterozygotes.
Comment: This missense variant replaces valine with methionine at codon 1447 of the RYR1 protein. Computational prediction suggests that this variant may not impact protein structure and function (internally defined REVEL score threshold <= 0.5, PMID: 27666373). To our knowledge, functional studies have not been reported for this variant. This variant has not been reported in individuals affected with RYR1-related disorders in the literature. This variant has been identified in 26/282758 chromosomes in the general population by the Genome Aggregation Database (gnomAD). The available evidence is insufficient to determine the role of this variant in disease conclusively. Therefore, this variant is classified as a Variant of Uncertain Significance.

This study involves interpretation of variants in research participants for the purpose of population health screening. Participant phenotype was not available at the time of variant classification. Additional details can be found in publication PMID: 35346344, PMCID: PMC8962531

Mayo Clinic Laboratories, Mayo Clinic
Classification: Uncertain significance. Last evaluated: 2023-06-05. Review status: criteria provided, single submitter. Criteria: ACMG Guidelines, 2015. Collection method: clinical testing. Allele origin: germline. Observed: 1 variant allele.

Illumina Laboratory Services, Illumina
Classification: Likely benign for Malignant hyperthermia, susceptibility to, 1. Last evaluated: 2018-01-12. Review status: criteria provided, single submitter. Criteria: ICSL Variant Classification Criteria 13 December 2019. Collection method: clinical testing. Allele origin: germline.
Comment: This variant was observed in the ICSL laboratory as part of a predisposition screen in an ostensibly healthy population. It had not been previously curated by ICSL or reported in the Human Gene Mutation Database (HGMD: prior to June 1st, 2018), and was therefore a candidate for classification through an automated scoring system. Utilizing variant allele frequency, disease prevalence and penetrance estimates, and inheritance mode, an automated score was calculated to assess if this variant is too frequent to cause the disease. Based on the score and internal cut-off values, a variant classified as likely benign is not then subjected to further curation. The score for this variant resulted in a classification of likely benign for this disease.

Illumina Laboratory Services, Illumina
Classification: Uncertain significance for Congenital multicore myopathy with external ophthalmoplegia. Last evaluated: 2018-01-12. Review status: criteria provided, single submitter. Criteria: ICSL Variant Classification Criteria 13 December 2019. Collection method: clinical testing. Allele origin: germline.

Literature cited by the submitters: PubMed 32236737 (cited by Labcorp Genetics (formerly Invitae), Labcorp).